The following is an entry in ClinVar:

NM_001037333.3(CYFIP2):c.181G>A (p.Glu61Lys)

Gene: CYFIP2 (cytoplasmic FMR1 interacting protein 2; plus strand). Cytogenetic location: 5q33.3.
Variant type: single nucleotide variant.
Coding change: c.181G>A on transcript NM_001037333.3 (MANE Select); coding-DNA position 181, G replaced by A.
Protein change: p.Glu61Lys; replaces glutamic acid 61 with lysine.
Molecular consequence: missense variant.
Genome position (GRCh38, 1-based): chr5:157,287,082, G>A. VCF-style: chr5-157287082-G-A. GRCh37 (hg19) VCF-style: chr5-156714091-G-A.
Other names: c.181G>A, p.Glu61Lys (NM_001291721.2, NM_001291722.2, NM_014376.4); short protein forms E61K.
Identifiers: ClinVar variation 2499907 (VCV002499907.1), dbSNP rs2532246560, ClinGen allele CA361965578.

ClinVar aggregate classification (germline): Uncertain significance (1 of 4 stars; one submission).

Submission:

GeneDx
Classification: Uncertain significance. Last evaluated: 2022-10-19. Review status: criteria provided, single submitter. Criteria: GeneDx Variant Classification Process June 2021. Collection method: clinical testing. Allele origin: germline. Affected: yes.
Comment: Not observed at significant frequency in large population cohorts (gnomAD); In silico analysis supports that this missense variant has a deleterious effect on protein structure/function; Has not been previously published as pathogenic or benign to our knowledge